The following is an entry in ClinVar:

NM_001853.4(COL9A3):c.1897G>C (p.Gly633Arg)

Gene: COL9A3 (collagen type IX alpha 3 chain; plus strand). Cytogenetic location: 20q13.33.
Variant type: single nucleotide variant.
Coding change: c.1897G>C on transcript NM_001853.4 (MANE Select); coding-DNA position 1897, G replaced by C.
Protein change: p.Gly633Arg; replaces glycine 633 with arginine.
Molecular consequence: missense variant.
Genome position (GRCh38, 1-based): chr20:62,840,574, G>C. VCF-style: chr20-62840574-G-C. GRCh37 (hg19) VCF-style: chr20-61471926-G-C.
Other names: c.1897G>C (NM_001853.3); short protein forms G633R.
Identifiers: ClinVar variation 1426846 (VCV001426846.9), dbSNP rs144407174, ClinGen allele CA9950253.

ClinVar aggregate classification (germline): Uncertain significance. Review status: criteria provided, multiple submitters, no conflicts (2 of 4 stars). 2 submissions from 2 submitters: Uncertain significance (2). Last evaluated 2025-08-22.

Conditions:
COL9A3-related disorder. Also called: COL9A3-related condition.

Allele frequency attached by ClinVar (database versions not stated): gnomAD 0.00001.
gnomAD v4.1: 7 of 1,612,458 alleles (0.00043%); highest among the groups gnomAD compares: East Asian, 0.0045%; no homozygotes.

Submissions (2):

PreventionGenetics, part of Exact Sciences
Classification: Uncertain significance for COL9A3-related condition. Last evaluated: 2025-08-22. Review status: criteria provided, single submitter. Criteria: ACMG Guidelines, 2015. Collection method: clinical testing. Allele origin: germline.
Comment: The COL9A3 c.1897G>C variant is predicted to result in the amino acid substitution p.Gly633Arg. To our knowledge, this variant has not been reported in the literature. This variant is present in 0.013% of alleles in individuals of African descent in gnomAD. At this time, the clinical significance of this variant is uncertain due to the absence of conclusive functional and genetic evidence.

Labcorp Genetics (formerly Invitae), Labcorp
Classification: Uncertain significance. Last evaluated: 2024-10-26. Review status: criteria provided, single submitter. Criteria: Invitae Variant Classification Sherloc (09022015). Collection method: clinical testing. Allele origin: germline.
Comment: This sequence change replaces glycine, which is neutral and non-polar, with arginine, which is basic and polar, at codon 633 of the COL9A3 protein (p.Gly633Arg). This variant is present in population databases (rs144407174, gnomAD 0.006%). This variant has not been reported in the literature in individuals affected with COL9A3-related conditions. ClinVar contains an entry for this variant (Variation ID: 1426846). Invitae Evidence Modeling of protein sequence and biophysical properties (such as structural, functional, and spatial information, amino acid conservation, physicochemical variation, residue mobility, and thermodynamic stability) indicates that this missense variant is expected to disrupt COL9A3 protein function with a positive predictive value of 95%. In summary, the available evidence is currently insufficient to determine the role of this variant in disease. Therefore, it has been classified as a Variant of Uncertain Significance.